The following is an entry in ClinVar:

ClinVar aggregate classification (germline): Pathogenic (1 of 4 stars; one submission).

Conditions:
Interstitial lung disease due to ABCA3 deficiency. Also called: PULMONARY ALVEOLAR PROTEINOSIS, CONGENITAL, 3. Identifiers: Orphanet 440402, MedGen C1970456, MONDO:0012582, OMIM 610921.

Submission:

Myriad Genetics, Inc.
Classification: Pathogenic for Interstitial lung disease due to ABCA3 deficiency. Last evaluated: 2024-09-26. Review status: criteria provided, single submitter. Criteria: Myriad Autosomal Dominant, Autosomal Recessive and X-Linked Classification Criteria (2023). Collection method: clinical testing. Allele origin: unknown.
Comment: NM_001089.2(ABCA3):c.741C>G(Y247*) is expected to be pathogenic in the context of surfactant deficiency, ABCA3-related. This variant is predicted to lead to an abnormal or absent protein product due to the creation of a premature termination codon in ABCA3, a gene where loss-of-function variants are known to be pathogenic. Please note: this variant was assessed in the context of healthy population screening.

NM_001089.3(ABCA3):c.741C>G (p.Tyr247Ter)

Gene: ABCA3 (ATP binding cassette subfamily A member 3; minus strand). Cytogenetic location: 16p13.3.
Variant type: single nucleotide variant.
Coding change: c.741C>G on transcript NM_001089.3 (MANE Select); coding-DNA position 741, C replaced by G.
Protein change: p.Tyr247Ter; replaces tyrosine 247 with a stop codon.
Molecular consequence: nonsense.
Genome position (GRCh38, 1-based): chr16:2,319,713, G>C on the plus strand (C>G on the coding strand, the complement: ABCA3 is on the minus strand). VCF-style: chr16-2319713-G-C. GRCh37 (hg19) VCF-style: chr16-2369714-G-C.
Other names: short protein forms Y247*.
Identifiers: ClinVar variation 5013582 (VCV005013582.1).
Genomic context (GRCh38, chr16:2,319,713, plus strand): 5'-CAGCAGCAGGGGCAGCTGGTACTGGATGGCCACGAGGAAGGGGTCTGCGATGAACGGCGG[G>C]TACGGGAACCTCTTGATGGTCACCGTCAGTCTCTGGAACAGCTGGCGTGTGGCGGCATCG-3'